The following is an entry in ClinVar:

ClinVar aggregate classification (germline): Uncertain significance. Review status: criteria provided, multiple submitters, no conflicts (2 of 4 stars). 2 submissions from 2 submitters: Uncertain significance (2). Last evaluated 2024-12-22.

Conditions:
Combined immunodeficiency due to OX40 deficiency. Also called: Immunodeficiency 16; OX40 DEFICIENCY. Identifiers: Orphanet 431149, MedGen C3810053, MONDO:0014268, OMIM 615593.

Allele frequency attached by ClinVar (database versions not stated): gnomAD exomes 0.00002 and 0.00003; gnomAD 0.00003 and 0.00004; TOPMed 0.00005; ExAC 0.00006; ESP Exome Variant Server 0.00008.

Submissions (2):

Ambry Genetics
Classification: Uncertain significance. Last evaluated: 2024-12-22. Review status: criteria provided, single submitter. Criteria: Ambry Variant Classification Scheme 2023. Collection method: clinical testing. Allele origin: germline.

Labcorp Genetics (formerly Invitae), Labcorp
Classification: Uncertain significance for Combined immunodeficiency due to OX40 deficiency. Last evaluated: 2023-10-18. Review status: criteria provided, single submitter. Criteria: Invitae Variant Classification Sherloc (09022015). Collection method: clinical testing. Allele origin: germline.
Comment: This sequence change replaces alanine, which is neutral and non-polar, with threonine, which is neutral and polar, at codon 270 of the TNFRSF4 protein (p.Ala270Thr). This variant is present in population databases (rs375419469, gnomAD 0.006%). This variant has not been reported in the literature in individuals affected with TNFRSF4-related conditions. ClinVar contains an entry for this variant (Variation ID: 1446419). Algorithms developed to predict the effect of missense changes on protein structure and function output the following: SIFT: "Not Available"; PolyPhen-2: "Benign"; Align-GVGD: "Not Available". The threonine amino acid residue is found in multiple mammalian species, which suggests that this missense change does not adversely affect protein function. In summary, the available evidence is currently insufficient to determine the role of this variant in disease. Therefore, it has been classified as a Variant of Uncertain Significance.

NM_003327.4(TNFRSF4):c.808G>A (p.Ala270Thr)

Gene: TNFRSF4 (TNF receptor superfamily member 4; minus strand). Cytogenetic location: 1p36.33.
Variant type: single nucleotide variant.
Coding change: c.808G>A on transcript NM_003327.4 (MANE Select); coding-DNA position 808, G replaced by A.
Protein change: p.Ala270Thr; replaces alanine 270 with threonine.
Molecular consequence: missense variant.
Genome position (GRCh38, 1-based): chr1:1,211,581, C>T on the plus strand (G>A on the coding strand, the complement: TNFRSF4 is on the minus strand). VCF-style: chr1-1211581-C-T. GRCh37 (hg19) VCF-style: chr1-1146961-C-T.
Other names: c.808G>A (NM_003327.3); short protein forms A270T.
Identifiers: ClinVar variation 1446419 (VCV001446419.9), dbSNP rs375419469, ClinGen allele CA512322.